The following is an entry in ClinVar:

ClinVar aggregate classification (germline): Pathogenic (1 of 4 stars; one submission).

Conditions:
Cranioectodermal dysplasia 2 (CED2). Identifiers: Orphanet 1515, MedGen C3150874, MONDO:0013323, OMIM 613610.
Short-rib thoracic dysplasia 7 with or without polydactyly (SRTD7). Also called: Short rib polydactyly syndrome 5; SHORT-RIB THORACIC DYSPLASIA 7 WITH POLYDACTYLY. Identifiers: Orphanet 498497, Orphanet 93271, MedGen C3279792, MONDO:0013569, OMIM 614091.

Submission:

Labcorp Genetics (formerly Invitae), Labcorp
Classification: Pathogenic for Cranioectodermal dysplasia 2; Short-rib thoracic dysplasia 7 with or without polydactyly. Last evaluated: 2021-09-06. Review status: criteria provided, single submitter. Criteria: Invitae Variant Classification Sherloc (09022015). Collection method: clinical testing. Allele origin: germline.
Comment: This variant is not present in population databases (ExAC no frequency). This sequence change creates a premature translational stop signal (p.Asp661Asnfs*6) in the WDR35 gene. It is expected to result in an absent or disrupted protein product. Loss-of-function variants in WDR35 are known to be pathogenic (PMID: 22486404, 29068549). This variant has not been reported in the literature in individuals affected with WDR35-related conditions. For these reasons, this variant has been classified as Pathogenic.

Literature cited by the submitters: PubMed 22486404; PubMed 29068549.

NM_020779.4(WDR35):c.1954_1955insAAAC (p.Leu652fs)

Gene: WDR35 (WD repeat domain 35; minus strand). Cytogenetic location: 2p24.1.
Variant type: Insertion.
Coding change: c.1954_1955insAAAC on transcript NM_020779.4 (MANE Select); coding-DNA positions 1954 to 1955, AAAC inserted.
Protein change: p.Leu652fs; shifts the reading frame from leucine 652.
Molecular consequence: frameshift variant.
Genome position: GRCh38 VCF-style: chr2-19938373-A-AGTTT. GRCh37 (hg19) VCF-style: chr2-20138134-A-AGTTT.
Other names: c.1987_1988insAAAC, p.Leu663fs (NM_001006657.2); short protein forms L652fs, L663fs.
Identifiers: ClinVar variation 1360910 (VCV001360910.6), dbSNP rs2103406171, ClinGen allele CA2573133136.
Genomic context (GRCh38, chr2:19,938,373, plus strand): 5'-ATTCCAACCTTCTCAATCAGTGCTCGGCTATCTCGCAGAGACCGAATCTCAAAGTTAATT[A>AGTTT]GGTAATCCTTGTTTGGATGTTCTGGATCCTAAAAGTAAAGATGAAAACAAAAAAATTCAA-3'